The following is an entry in ClinVar:

ClinVar aggregate classification (germline): Likely benign. Review status: criteria provided, multiple submitters, no conflicts (2 of 4 stars). 2 submissions from 2 submitters: Likely benign (2). Last evaluated 2025-02-01.

gnomAD v4.1: 27 of 1,614,084 alleles (0.0017%); highest among the groups gnomAD compares: Non-Finnish European, 0.0023%; no homozygotes.

Submissions (2):

CeGaT Center for Human Genetics Tuebingen
Classification: Likely benign. Last evaluated: 2025-02-01. Review status: criteria provided, single submitter. Criteria: CeGaT Center For Human Genetics Tuebingen Variant Classification Criteria Version 2. Collection method: clinical testing. Allele origin: germline. Affected: yes. Observed: 1 variant allele.
Comment: RP1L1: BP4, BP7

Blueprint Genetics
Classification: Likely benign. Last evaluated: 2024-11-07. Review status: criteria provided, single submitter. Criteria: ACMG Guidelines, 2015. Collection method: clinical testing. Allele origin: germline.

NM_178857.6(RP1L1):c.6780C>A (p.Gly2260=)

Gene: RP1L1 (RP1 like 1). Cytogenetic location: 8p23.1.
Variant type: single nucleotide variant.
Coding change: c.6780C>A on transcript NM_178857.6 (MANE Select); coding-DNA position 6780, C replaced by A.
Protein change: p.Gly2260=; no amino-acid change (glycine 2260 retained).
Molecular consequence: synonymous variant.
Genome position (GRCh38, 1-based): chr8:10,607,318, G>T on the plus strand (C>A on the coding strand, the complement: RP1L1 is on the minus strand). VCF-style: chr8-10607318-G-T. GRCh37 (hg19) VCF-style: chr8-10464828-G-T.
Identifiers: ClinVar variation 3771043 (VCV003771043.14).
Genomic context (GRCh38, chr8:10,607,318, plus strand): 5'-GGGTGGAGTGGGCCTGTCCTCAGGGACTGGGCTGCTGCTTTCAGAAGCCTCCTCAGATTG[G>T]CCATCTCCTAGACTGACCTGAGGGCTCCCCTTTTTCTCACCTTGAGTTTCTCCTTCTGAC-3'
Protein context (NP_849188.4, residues 2250-2270): KGSPQVSLGD[Gly2260=]QSEEASESSS